The following is an entry in ClinVar:

ClinVar aggregate classification (germline): Uncertain significance (1 of 4 stars; one submission).

Conditions:
Autosomal recessive limb-girdle muscular dystrophy type R18 (LGMDR18). Also called: MUSCULAR DYSTROPHY, LIMB-GIRDLE, AUTOSOMAL RECESSIVE 18; Autosomal recessive limb-girdle muscular dystrophy type 2S; Limb-girdle muscular dystrophy, type 2S. Identifiers: Orphanet 369840, MedGen C4517996, MONDO:0014144, OMIM 615356.

Allele frequency attached by ClinVar (database versions not stated): gnomAD exomes 0.00001 and below 0.00001; ExAC 0.00002; 1000 Genomes Project 30x 0.00016; gnomAD 0.00001; 1000 Genomes Project 0.00020.

Submission:

Labcorp Genetics (formerly Invitae), Labcorp
Classification: Uncertain significance for Autosomal recessive limb-girdle muscular dystrophy type R18. Last evaluated: 2020-11-13. Review status: criteria provided, single submitter. Criteria: Invitae Variant Classification Sherloc (09022015). Collection method: clinical testing. Allele origin: germline.
Comment: Algorithms developed to predict the effect of missense changes on protein structure and function (SIFT, PolyPhen-2, Align-GVGD) all suggest that this variant is likely to be tolerated, but these predictions have not been confirmed by published functional studies and their clinical significance is uncertain. In summary, the available evidence is currently insufficient to determine the role of this variant in disease. Therefore, it has been classified as a Variant of Uncertain Significance. This variant has not been reported in the literature in individuals with TRAPPC11-related conditions. This variant is present in population databases (rs573030912, ExAC 0.01%). This sequence change replaces methionine with isoleucine at codon 1076 of the TRAPPC11 protein (p.Met1076Ile). The methionine residue is moderately conserved and there is a small physicochemical difference between methionine and isoleucine.

NM_021942.6(TRAPPC11):c.3228G>C (p.Met1076Ile)

Gene: TRAPPC11 (trafficking protein particle complex subunit 11; plus strand). Cytogenetic location: 4q35.1.
Variant type: single nucleotide variant.
Coding change: c.3228G>C on transcript NM_021942.6 (MANE Select); coding-DNA position 3228, G replaced by C.
Protein change: p.Met1076Ile; replaces methionine 1076 with isoleucine.
Molecular consequence: missense variant. On other transcripts: intron variant (1).
Genome position (GRCh38, 1-based): chr4:183,708,445, G>C. VCF-style: chr4-183708445-G-C. GRCh37 (hg19) VCF-style: chr4-184629598-G-C.
Other names: c.3199+29G>C (NM_199053.3); short protein forms M1076I.
Identifiers: ClinVar variation 1489203 (VCV001489203.8), dbSNP rs573030912, ClinGen allele CA3152486.